The following is an entry in ClinVar:

NM_000219.6(KCNE1):c.239T>A (p.Val80Asp)

Gene: KCNE1 (potassium voltage-gated channel subfamily E regulatory subunit 1; minus strand). Cytogenetic location: 21q22.12.
Variant type: single nucleotide variant.
Coding change: c.239T>A on transcript NM_000219.6 (MANE Select); coding-DNA position 239, T replaced by A.
Protein change: p.Val80Asp; replaces valine 80 with aspartic acid.
Molecular consequence: missense variant.
Genome position (GRCh38, 1-based): chr21:34,449,396, A>T on the plus strand (T>A on the coding strand, the complement: KCNE1 is on the minus strand). VCF-style: chr21-34449396-A-T. GRCh37 (hg19) VCF-style: chr21-35821694-A-T.
Other names: c.239T>A, p.Val80Asp (NM_001127668.4, NM_001127669.4, NM_001127670.4 and 4 more transcripts); short protein forms V80D.
Identifiers: ClinVar variation 3374409 (VCV003374409.2).

Conditions:
Long QT syndrome 5 (LQT5). Identifiers: Orphanet 101016, Orphanet 768, MedGen C1867904, MONDO:0013372, OMIM 613695.

Submission:

Roden Lab, Vanderbilt University Medical Center
No classification provided (evidence only). Condition: Long QT syndrome 5. Review status: no classification provided. Collection method: in vitro. Allele origin: not applicable. Functional consequence: Effect on ion channel function.
ClinVar note: "not provided" was previously submitted as the classification for the variant. However, the classification appeared to be based only on an observation of functional data so it was converted to no classification on 2025-07-30.